The following is an entry in ClinVar:

NM_001364905.1(LRBA):c.8035C>T (p.Arg2679Trp)

Gene: LRBA (LPS responsive beige-like anchor protein; minus strand). Cytogenetic location: 4q31.3.
Variant type: single nucleotide variant.
Coding change: c.8035C>T on transcript NM_001364905.1 (MANE Select); coding-DNA position 8035, C replaced by T.
Protein change: p.Arg2679Trp; replaces arginine 2679 with tryptophan.
Molecular consequence: missense variant.
Genome position (GRCh38, 1-based): chr4:150,286,017, G>A on the plus strand (C>T on the coding strand, the complement: LRBA is on the minus strand). VCF-style: chr4-150286017-G-A. GRCh37 (hg19) VCF-style: chr4-151207169-G-A.
Other names: c.8032C>T, p.Arg2678Trp (NM_001199282.3); c.8050C>T, p.Arg2684Trp (NM_001367550.1); c.8068C>T, p.Arg2690Trp (NM_006726.5); short protein forms R2690W, R2678W, R2684W, R2679W.
Identifiers: ClinVar variation 2051277 (VCV002051277.4), dbSNP rs762684397, ClinGen allele CA3101458.

ClinVar aggregate classification (germline): Uncertain significance. Review status: criteria provided, multiple submitters, no conflicts (2 of 4 stars). 2 submissions from 2 submitters: Uncertain significance (2). Last evaluated 2025-01-13.

Conditions:
Combined immunodeficiency due to LRBA deficiency. Also called: Common variable immunodeficiency 8, with autoimmunity. Identifiers: Orphanet 445018, MedGen C3553512, MONDO:0013863, OMIM 614700.

Allele frequency attached by ClinVar (database versions not stated): gnomAD exomes 0.00003; ExAC 0.00004; gnomAD 0.00004; TOPMed 0.00006.
gnomAD v4.1: 42 of 1,580,056 alleles (0.0027%); highest among the groups gnomAD compares: Middle Eastern, 0.017%; no homozygotes.

Submissions (2):

Labcorp Genetics (formerly Invitae), Labcorp
Classification: Uncertain significance for Combined immunodeficiency due to LRBA deficiency. Last evaluated: 2025-01-13. Review status: criteria provided, single submitter. Criteria: Invitae Variant Classification Sherloc (09022015). Collection method: clinical testing. Allele origin: germline.
Comment: This sequence change replaces arginine, which is basic and polar, with tryptophan, which is neutral and slightly polar, at codon 2690 of the LRBA protein (p.Arg2690Trp). This variant is present in population databases (rs762684397, gnomAD 0.01%). This variant has not been reported in the literature in individuals affected with LRBA-related conditions. ClinVar contains an entry for this variant (Variation ID: 2051277). Invitae Evidence Modeling of protein sequence and biophysical properties (such as structural, functional, and spatial information, amino acid conservation, physicochemical variation, residue mobility, and thermodynamic stability) indicates that this missense variant is not expected to disrupt LRBA protein function with a negative predictive value of 80%. In summary, the available evidence is currently insufficient to determine the role of this variant in disease. Therefore, it has been classified as a Variant of Uncertain Significance.

Blueprint Genetics
Classification: Uncertain significance. Last evaluated: 2024-06-21. Review status: criteria provided, single submitter. Criteria: ACMG Guidelines, 2015. Collection method: clinical testing. Allele origin: germline.